The following is an entry in ClinVar:

NM_024514.5(CYP2R1):c.851T>C (p.Met284Thr)

Genes: PDE3B (phosphodiesterase 3B; plus strand), CYP2R1 (cytochrome P450 family 2 subfamily R member 1; minus strand). Cytogenetic location: 11p15.2.
Variant type: single nucleotide variant.
Coding change: c.851T>C on transcript NM_024514.5 (MANE Select); coding-DNA position 851, T replaced by C.
Protein change: p.Met284Thr; replaces methionine 284 with threonine.
Molecular consequence: missense variant.
Genome position (GRCh38, 1-based): chr11:14,880,285, A>G on the plus strand (T>C on the coding strand, the complement: CYP2R1 is on the minus strand). VCF-style: chr11-14880285-A-G. GRCh37 (hg19) VCF-style: chr11-14901831-A-G.
Other names: c.506T>C, p.Met169Thr (NM_001377214.1, NM_001377215.1, NM_001377216.1 and 1 more transcripts); c.689T>C, p.Met230Thr (NM_001377217.1); short protein forms M284T, M169T, M230T.
Identifiers: ClinVar variation 418154 (VCV000418154.11), dbSNP rs200183599, ClinGen allele CA5896626.
Genomic context (GRCh38, chr11:14,880,285, plus strand): 5'-ACTGAGAAAATTAGGTTTTCTTTGGAGAAAGTAGATGATGGGTCATTTTTACCTTGATCC[A>G]TCTCATCTAAATAAGCATCAACAAAATGCTGAGGTAGCTGAGGCTTTCTGTTGACTGAAG-3'
Protein context (NP_078790.2, residues 274-294): QHFVDAYLDE[Met284Thr]DQGKNDPSST

ClinVar aggregate classification (germline): Conflicting classifications of pathogenicity. Review status: criteria provided, conflicting classifications (1 of 4 stars). 6 submissions from 6 submitters: Uncertain significance (5); Likely benign (1). Last evaluated 2024-09-27.

Conditions:
Vitamin D hydroxylation-deficient rickets, type 1B. Also called: PSEUDOVITAMIN D3 DEFICIENCY RICKETS DUE TO 25-HYDROXYLASE DEFICIENCY; Rickets due to Defect in Vitamin D 25-hydroxylation; VITAMIN D-DEPENDENT RICKETS, TYPE 1B. Identifiers: Orphanet 289157, MedGen C1838657, MONDO:0010810, OMIM 600081.

Allele frequency attached by ClinVar (database versions not stated): ESP Exome Variant Server 0.00008; ExAC 0.00013; gnomAD 0.00013 and 0.00014; gnomAD exomes 0.00013 and 0.00020; 1000 Genomes Project 30x 0.00016; 1000 Genomes Project 0.00020; TOPMed 0.00038.
gnomAD v4.1: 221 of 1,613,244 alleles (0.014%); highest among the groups gnomAD compares: Middle Eastern, 0.46%; 1 homozygote.

Submissions (6):

Blueprint Genetics
Classification: Likely benign. Last evaluated: 2024-09-27. Review status: criteria provided, single submitter. Criteria: ACMG Guidelines, 2015. Collection method: clinical testing. Allele origin: germline.

Women's Health and Genetics/Laboratory Corporation of America, LabCorp
Classification: Uncertain significance. Last evaluated: 2024-05-30. Review status: criteria provided, single submitter. Criteria: LabCorp Variant Classification Summary - May 2015. Collection method: clinical testing. Allele origin: germline.
Comment: Variant summary: CYP2R1 c.851T>C (p.Met284Thr) results in a non-conservative amino acid change in the encoded protein sequence. Three of five in-silico tools predict a damaging effect of the variant on protein function. The variant allele was found at a frequency of 0.0002 in 250790 control chromosomes. This frequency is not significantly higher than estimated for a pathogenic variant in CYP2R1 causing Vitamin D Hydroxylation-Deficient Rickets, Type 1B, allowing no conclusion about variant significance. To our knowledge, no occurrence of c.851T>C in individuals affected with Vitamin D Hydroxylation-Deficient Rickets, Type 1B and no experimental evidence demonstrating its impact on protein function have been reported. ClinVar contains an entry for this variant (Variation ID: 418154). Based on the evidence outlined above, the variant was classified as uncertain significance.

Fulgent Genetics
Classification: Uncertain significance for Vitamin D hydroxylation-deficient rickets, type 1B. Last evaluated: 2024-01-22. Review status: criteria provided, single submitter. Criteria: ACMG Guidelines, 2015. Collection method: clinical testing. Allele origin: germline.

Labcorp Genetics (formerly Invitae), Labcorp
Classification: Uncertain significance. Last evaluated: 2022-07-26. Review status: criteria provided, single submitter. Criteria: Invitae Variant Classification Sherloc (09022015). Collection method: clinical testing. Allele origin: germline.
Comment: This sequence change replaces methionine, which is neutral and non-polar, with threonine, which is neutral and polar, at codon 284 of the CYP2R1 protein (p.Met284Thr). This variant is present in population databases (rs200183599, gnomAD 0.2%). This variant has not been reported in the literature in individuals affected with CYP2R1-related conditions. ClinVar contains an entry for this variant (Variation ID: 418154). Algorithms developed to predict the effect of missense changes on protein structure and function are either unavailable or do not agree on the potential impact of this missense change (SIFT: "Deleterious"; PolyPhen-2: "Benign"; Align-GVGD: "Class C45"). Experimental studies have shown that this missense change affects CYP2R1 function (PMID: 32115644). In summary, the available evidence is currently insufficient to determine the role of this variant in disease. Therefore, it has been classified as a Variant of Uncertain Significance.

GeneDx
Classification: Uncertain significance. Last evaluated: 2016-10-10. Review status: criteria provided, single submitter. Criteria: GeneDx Variant Classification (06012015). Collection method: clinical testing. Allele origin: germline. Affected: yes.
Comment: The M284T variant in the CYP2R1 gene has not been published as a pathogenic variant, nor has it been reported as a benign variant to our knowledge. The M284T variant was not observed at any significant frequency in approximately 6,500 individuals of European and African American ancestry by the NHLBI Exome Sequencing Project. The M284T variant is a non-conservative amino acid substitution, which is likely to impact secondary protein structure as these residues differ in polarity, charge, size and/or other properties. This substitution occurs at a position where amino acids with similar properties to Methionine are tolerated across species. In silico analysis predicts this variant is probably damaging to the protein structure/function. Therefore, we interpret M284T as a variant of uncertain significance.

Breakthrough Genomics
Classification: Uncertain significance. Review status: criteria provided, single submitter. Criteria: ACMG Guidelines, 2015. Collection method: not provided. Allele origin: germline. Inheritance: Autosomal recessive inheritance. Affected: yes.

Literature cited by the submitters: PubMed 32115644 (cited by Labcorp Genetics (formerly Invitae), Labcorp).